The following is an entry in ClinVar:

NM_001853.4(COL9A3):c.1591G>A (p.Gly531Arg)

Genes: COL9A3 (collagen type IX alpha 3 chain; plus strand), LOC126863084 (MED14-independent group 3 enhancer GRCh37_chr20:61467141-61468340; plus strand). Cytogenetic location: 20q13.33.
Variant type: single nucleotide variant.
Coding change: c.1591G>A on transcript NM_001853.4 (MANE Select); coding-DNA position 1591, G replaced by A.
Protein change: p.Gly531Arg; replaces glycine 531 with arginine.
Molecular consequence: missense variant.
Genome position (GRCh38, 1-based): chr20:62,836,520, G>A. VCF-style: chr20-62836520-G-A. GRCh37 (hg19) VCF-style: chr20-61467872-G-A.
Other names: c.1591G>A (NM_001853.3); short protein forms G531R.
Identifiers: ClinVar variation 1959521 (VCV001959521.8), dbSNP rs757493661, ClinGen allele CA9950077.

ClinVar aggregate classification (germline): Conflicting classifications of pathogenicity. Review status: criteria provided, conflicting classifications (1 of 4 stars). 4 submissions from 4 submitters: Uncertain significance (2); Likely benign (2). Last evaluated 2025-02-10.

Conditions:
Inborn genetic diseases. Identifiers: MedGen C0950123, MeSH D030342.

Allele frequency attached by ClinVar (database versions not stated): gnomAD 0.00002; gnomAD exomes 0.00004; ExAC 0.00011.
gnomAD v4.1: 61 of 1,611,988 alleles (0.0038%); highest among the groups gnomAD compares: South Asian, 0.061%; 3 homozygotes.

Submissions (4):

Ambry Genetics
Classification: Uncertain significance for Inborn genetic diseases. Last evaluated: 2025-02-10. Review status: criteria provided, single submitter. Criteria: Ambry Variant Classification Scheme 2023. Collection method: clinical testing. Allele origin: germline.

Labcorp Genetics (formerly Invitae), Labcorp
Classification: Likely benign. Last evaluated: 2024-10-15. Review status: criteria provided, single submitter. Criteria: Invitae Variant Classification Sherloc (09022015). Collection method: clinical testing. Allele origin: germline.

Blueprint Genetics
Classification: Likely benign. Last evaluated: 2024-08-30. Review status: criteria provided, single submitter. Criteria: ACMG Guidelines, 2015. Collection method: clinical testing. Allele origin: germline.

GeneDx
Classification: Uncertain significance. Last evaluated: 2024-03-17. Review status: criteria provided, single submitter. Criteria: GeneDx Variant Classification Process June 2021. Collection method: clinical testing. Allele origin: germline. Affected: yes.
Comment: Has not been previously published as pathogenic or benign to our knowledge; In silico analysis supports that this missense variant does not alter protein structure/function